The following is an entry in ClinVar:

NM_001079802.2(FKTN):c.166-1G>A

Gene: FKTN (fukutin; plus strand). Cytogenetic location: 9q31.2.
Variant type: single nucleotide variant.
Coding change: c.166-1G>A on transcript NM_001079802.2 (MANE Select); the canonical splice acceptor site of the intron before coding-DNA position 166, G replaced by A.
Molecular consequence: splice acceptor variant.
Genome position (GRCh38, 1-based): chr9:105,601,144, G>A. VCF-style: chr9-105601144-G-A. GRCh37 (hg19) VCF-style: chr9-108363425-G-A.
Other names: c.-349-1G>A (NM_001351499.2, NM_001351500.2, NM_001351501.2 and 1 more transcripts); c.166-1G>A (NM_001351496.2, NM_001198963.2, NM_001351498.2 and 1 more transcripts); c.97-1G>A (NM_001351497.2).
Identifiers: ClinVar variation 2675727 (VCV002675727.5), dbSNP rs1218736157, ClinGen allele CA374331384.

ClinVar aggregate classification (germline): Conflicting classifications of pathogenicity. Review status: criteria provided, conflicting classifications (1 of 4 stars). 3 submissions from 3 submitters: Likely pathogenic (2); Uncertain significance (1). Last evaluated 2025-12-02.

Conditions:
Walker-Warburg congenital muscular dystrophy. Also called: Muscular dystrophy-dystroglycanopathy, type A; Walker-Warburg syndrome. Identifiers: Orphanet 899, MedGen C0265221, MONDO:0000171.
Dilated cardiomyopathy 1X (CMD1X). Also called: FKTN-Related Dilated Cardiomyopathy; CARDIOMYOPATHY, DILATED, WITH MILD OR NO PROXIMAL MUSCLE WEAKNESS. Identifiers: Orphanet 154, MedGen C1969024, MONDO:0012704, OMIM 611615.
Myopathy caused by variation in FKTN. Identifiers: MedGen CN305638, MONDO:0700067.

Submissions (3):

Myriad Genetics, Inc.
Classification: Uncertain significance for Myopathy caused by variation in FKTN. Last evaluated: 2025-12-02. Review status: criteria provided, single submitter. Criteria: Myriad Autosomal Dominant, Autosomal Recessive and X-Linked Classification Criteria (2023). Collection method: clinical testing. Allele origin: unknown.
Comment: NM_001079802.1(FKTN):c.166-1G>A is a variant in a canonical splice site classified as a variant of uncertain significance in the context of FKTN-related disorders. c.166-1G>A has not been observed in cases with relevant disease. Relevant functional assessments of this variant are not available in the literature. c.166-1G>A has not been observed in referenced population frequency databases. In summary, there is insufficient evidence to classify NM_001079802.1(FKTN):c.166-1G>A as pathogenic or benign. Please note: this variant was assessed in the context of healthy population screening.

Labcorp Genetics (formerly Invitae), Labcorp
Classification: Likely pathogenic for Walker-Warburg congenital muscular dystrophy. Last evaluated: 2023-05-23. Review status: criteria provided, single submitter. Criteria: Invitae Variant Classification Sherloc (09022015). Collection method: clinical testing. Allele origin: germline.
Comment: Algorithms developed to predict the effect of sequence changes on RNA splicing suggest that this variant may disrupt the consensus splice site. This variant has not been reported in the literature in individuals affected with FKTN-related conditions. This variant is not present in population databases (gnomAD no frequency). This sequence change affects an acceptor splice site in intron 4 of the FKTN gene. It is expected to disrupt RNA splicing. Variants that disrupt the donor or acceptor splice site typically lead to a loss of protein function (PMID: 16199547), and loss-of-function variants in FKTN are known to be pathogenic (PMID: 17044012, 17878207, 18752264). In summary, the currently available evidence indicates that the variant is pathogenic, but additional data are needed to prove that conclusively. Therefore, this variant has been classified as Likely Pathogenic.

Baylor Genetics
Classification: Likely pathogenic for Dilated cardiomyopathy 1X. Last evaluated: 2023-02-09. Review status: criteria provided, single submitter. Criteria: ACMG Guidelines, 2015. Collection method: clinical testing. Allele origin: unknown.

Literature cited by the submitters: PubMed 16199547 (cited by Labcorp Genetics (formerly Invitae), Labcorp); PubMed 17044012 (cited by Labcorp Genetics (formerly Invitae), Labcorp); PubMed 17878207 (cited by Labcorp Genetics (formerly Invitae), Labcorp); PubMed 18752264 (cited by Labcorp Genetics (formerly Invitae), Labcorp).